The following is an entry in ClinVar:

NM_012464.5(TLL1):c.871T>C (p.Tyr291His)

Gene: TLL1 (tolloid like 1; plus strand). Cytogenetic location: 4q32.3.
Variant type: single nucleotide variant.
Coding change: c.871T>C on transcript NM_012464.5 (MANE Select); coding-DNA position 871, T replaced by C.
Protein change: p.Tyr291His; replaces tyrosine 291 with histidine.
Molecular consequence: missense variant.
Genome position (GRCh38, 1-based): chr4:166,008,002, T>C. VCF-style: chr4-166008002-T-C. GRCh37 (hg19) VCF-style: chr4-166929154-T-C.
Other names: c.871T>C, p.Tyr291His (NM_001204760.2); short protein forms Y291H.
Identifiers: ClinVar variation 3772331 (VCV003772331.13).

ClinVar aggregate classification (germline): Uncertain significance (1 of 4 stars; one submission).

Submission:

CeGaT Center for Human Genetics Tuebingen
Classification: Uncertain significance. Last evaluated: 2025-01-01. Review status: criteria provided, single submitter. Criteria: CeGaT Center For Human Genetics Tuebingen Variant Classification Criteria Version 2. Collection method: clinical testing. Allele origin: germline. Affected: yes. Observed: 1 variant allele.
Comment: TLL1: PM2, PP3